The following is an entry in ClinVar:

ClinVar aggregate classification (germline): Pathogenic (1 of 4 stars; one submission).

Conditions:
Multiple sulfatase deficiency (MSD). Also called: Mucosulfatidosis; Multiple Sulfatase Deficiency Disease; Sulfatidosis, Juvenile, Austin Type. Identifiers: Orphanet 585, MedGen C0268263, MONDO:0010088, OMIM 272200.

Submission:

Myriad Genetics, Inc.
Classification: Pathogenic for Multiple sulfatase deficiency. Last evaluated: 2024-05-14. Review status: criteria provided, single submitter. Criteria: Myriad Autosomal Dominant, Autosomal Recessive and X-Linked Classification Criteria (2023). Collection method: clinical testing. Allele origin: unknown.
Comment: NM_182760.3(SUMF1):c.437_438ins13(L146Ffs*9) is expected to be pathogenic in the context of multiple sulfatase deficiency. This variant is predicted to lead to an abnormal or absent protein product due to the creation of a premature termination codon in SUMF1, a gene where loss-of-function variants are known to be pathogenic. Please note: this variant was assessed in the context of healthy population screening.

NM_182760.4(SUMF1):c.437_438insTAAGGCATCCTGT (p.Leu146fs)

Gene: SUMF1 (sulfatase modifying factor 1; minus strand). Cytogenetic location: 3p26.1.
Variant type: Insertion.
Coding change: c.437_438insTAAGGCATCCTGT on transcript NM_182760.4 (MANE Select); coding-DNA positions 437 to 438, TAAGGCATCCTGT inserted.
Protein change: p.Leu146fs; shifts the reading frame from leucine 146.
Molecular consequence: frameshift variant.
Genome position: GRCh38 VCF-style: chr3-4452882-C-CACAGGATGCCTTA. GRCh37 (hg19) VCF-style: chr3-4494566-C-CACAGGATGCCTTA.
Other names: c.437_438insTAAGGCATCCTGT, p.Leu146fs (NM_001164674.2, NM_001164675.2); short protein forms L146fs.
Identifiers: ClinVar variation 5010664 (VCV005010664.1).
Genomic context (GRCh38, chr3:4,452,882, plus strand): 5'-TCTTAAAAGTTCTGGAAAAGAACAAGTTCTCCCTCCTTTCCCCAATCCCATTACCTCTGT[C>CACAGGATGCCTTA]AAATAGCCAGTTGAGTTCACAAACTTCTCAAATTCAGTATTACTGACTTCATAGGCATCC-3'